The following is an entry in ClinVar:

NM_001013838.3(CARMIL2):c.2990C>T (p.Pro997Leu)

Gene: CARMIL2 (capping protein regulator and myosin 1 linker 2; plus strand). Cytogenetic location: 16q22.1.
Variant type: single nucleotide variant.
Coding change: c.2990C>T on transcript NM_001013838.3 (MANE Select); coding-DNA position 2990, C replaced by T.
Protein change: p.Pro997Leu; replaces proline 997 with leucine.
Molecular consequence: missense variant.
Genome position (GRCh38, 1-based): chr16:67,653,124, C>T. VCF-style: chr16-67653124-C-T. GRCh37 (hg19) VCF-style: chr16-67687027-C-T.
Other names: c.2990C>T (NM_001013838.1); c.2882C>T, p.Pro961Leu (NM_001317026.3, NM_001438244.1, NM_001438835.1); short protein forms P997L, P961L.
Identifiers: ClinVar variation 4778269 (VCV004778269.2).

ClinVar aggregate classification (germline): Uncertain significance. Review status: criteria provided, multiple submitters, no conflicts (2 of 4 stars). 2 submissions from 2 submitters: Uncertain significance (2). Last evaluated 2025-12-16.

Conditions:
Inborn genetic diseases. Identifiers: MedGen C0950123, MeSH D030342.

gnomAD v4.1: 9 of 1,124,874 alleles (0.0008%); highest among the groups gnomAD compares: Non-Finnish European, 0.00098%; no homozygotes.

Submissions (2):

Ambry Genetics
Classification: Uncertain significance for Inborn genetic diseases. Last evaluated: 2025-12-16. Review status: criteria provided, single submitter. Criteria: Ambry Variant Classification Scheme 2023. Collection method: clinical testing. Allele origin: germline.

Labcorp Genetics (formerly Invitae), Labcorp
Classification: Uncertain significance. Last evaluated: 2025-02-03. Review status: criteria provided, single submitter. Criteria: Invitae Variant Classification Sherloc (09022015). Collection method: clinical testing. Allele origin: germline.
Comment: This sequence change replaces proline, which is neutral and non-polar, with leucine, which is neutral and non-polar, at codon 997 of the CARMIL2 protein (p.Pro997Leu). The frequency data for this variant in the population databases is considered unreliable, as metrics indicate insufficient coverage at this position in the gnomAD database. This variant has not been reported in the literature in individuals affected with CARMIL2-related conditions. Invitae Evidence Modeling of protein sequence and biophysical properties (such as structural, functional, and spatial information, amino acid conservation, physicochemical variation, residue mobility, and thermodynamic stability) indicates that this missense variant is not expected to disrupt CARMIL2 protein function with a negative predictive value of 80%. In summary, the available evidence is currently insufficient to determine the role of this variant in disease. Therefore, it has been classified as a Variant of Uncertain Significance.